The following is an entry in ClinVar:

NM_004408.4(DNM1):c.1128+4G>A

Gene: DNM1 (dynamin 1; plus strand). Cytogenetic location: 9q34.11.
Variant type: single nucleotide variant.
Coding change: c.1128+4G>A on transcript NM_004408.4 (MANE Select); 4 bases into the intron after coding-DNA position 1128, G replaced by A.
Molecular consequence: intron variant.
Genome position (GRCh38, 1-based): chr9:128,222,600, G>A. VCF-style: chr9-128222600-G-A. GRCh37 (hg19) VCF-style: chr9-130984879-G-A.
Other names: c.1128+4G>A (NM_001005336.3, NM_001374269.1, NM_001288738.2 and 3 more transcripts).
Identifiers: ClinVar variation 1647833 (VCV001647833.11), dbSNP rs768339660, ClinGen allele CA5257976.

ClinVar aggregate classification (germline): Benign/Likely benign. Review status: criteria provided, multiple submitters, no conflicts (2 of 4 stars). 3 submissions from 3 submitters: Benign (1); Likely benign (1). 1 of the submissions does not count toward it. Last evaluated 2025-07-21.

Conditions:
Developmental and epileptic encephalopathy, 31A. Also called: Epileptic encephalopathy, early infantile, 31; Developmental and epileptic encephalopathy, 31. Identifiers: Orphanet 2382, MedGen C4225357, MONDO:0014598, OMIM 616346.
DNM1-related disorder. Also called: DNM1-related condition.

gnomAD v4.1: 10 of 1,614,076 alleles (0.00062%); highest among the groups gnomAD compares: South Asian, 0.0011%; no homozygotes.

Submissions (3):

Labcorp Genetics (formerly Invitae), Labcorp
Classification: Benign for Developmental and epileptic encephalopathy, 31A. Last evaluated: 2025-07-21. Review status: criteria provided, single submitter. Criteria: Invitae Variant Classification Sherloc (09022015). Collection method: clinical testing. Allele origin: germline.

Blueprint Genetics
Classification: Likely benign. Last evaluated: 2023-02-14. Review status: criteria provided, single submitter. Criteria: ACMG Guidelines, 2015. Collection method: clinical testing. Allele origin: germline.

PreventionGenetics, part of Exact Sciences
Classification: Likely benign for DNM1-related condition. Last evaluated: 2023-05-21. Review status: no assertion criteria provided. Collection method: clinical testing. Allele origin: germline. Not counted in ClinVar's aggregate classification.
Comment: This variant is classified as likely benign based on ACMG/AMP sequence variant interpretation guidelines (Richards et al. 2015 PMID: 25741868, with internal and published modifications).